The following is an entry in ClinVar:

ClinVar aggregate classification (germline): Uncertain significance (1 of 4 stars; one submission).

gnomAD v4.1: 1 of 1,613,652 alleles (0.000062%); highest among the groups gnomAD compares: South Asian, 0.0011%; no homozygotes.

Submission:

Labcorp Genetics (formerly Invitae), Labcorp
Classification: Uncertain significance. Last evaluated: 2021-09-19. Review status: criteria provided, single submitter. Criteria: Invitae Variant Classification Sherloc (09022015). Collection method: clinical testing. Allele origin: germline.
Comment: This sequence change replaces threonine with alanine at codon 239 of the UNC45A protein (p.Thr239Ala). The threonine residue is weakly conserved and there is a small physicochemical difference between threonine and alanine. This variant is not present in population databases (ExAC no frequency). This variant has not been reported in the literature in individuals affected with UNC45A-related conditions. Algorithms developed to predict the effect of missense changes on protein structure and function are either unavailable or do not agree on the potential impact of this missense change (SIFT: "Not Available"; PolyPhen-2: "Benign"; Align-GVGD: "Not Available"). In summary, the available evidence is currently insufficient to determine the role of this variant in disease. Therefore, it has been classified as a Variant of Uncertain Significance.

NM_018671.5(UNC45A):c.715A>G (p.Thr239Ala)

Gene: UNC45A (unc-45 myosin chaperone A; plus strand). Cytogenetic location: 15q26.1.
Variant type: single nucleotide variant.
Coding change: c.715A>G on transcript NM_018671.5 (MANE Select); coding-DNA position 715, A replaced by G.
Protein change: p.Thr239Ala; replaces threonine 239 with alanine.
Molecular consequence: missense variant.
Genome position (GRCh38, 1-based): chr15:90,942,464, A>G. VCF-style: chr15-90942464-A-G. GRCh37 (hg19) VCF-style: chr15-91485694-A-G.
Other names: c.670A>G, p.Thr224Ala (NM_001039675.2, NM_001323621.2); c.715A>G, p.Thr239Ala (NM_001323619.1); c.280A>G, p.Thr94Ala (NM_001323620.2); short protein forms T224A, T239A, T94A.
Identifiers: ClinVar variation 1417123 (VCV001417123.6), dbSNP rs2151362031, ClinGen allele CA393852148.
Genomic context (GRCh38, chr15:90,942,464, plus strand): 5'-GAAGCTTCCTTCTGTTTACCTCTCCCACCCCAGACAGTGGCAACCCTGAGCATACTGGGA[A>G]CTCGGCGAGTAGTCTCCATCCTGGGCGTGGAAAGCCAGGCTGTGTCCCTGGCTGCCTGCC-3'
Protein context (NP_061141.2, residues 229-249): RTVATLSILG[Thr239Ala]RRVVSILGVE